The following is an entry in ClinVar:

ClinVar aggregate classification (germline): Uncertain significance (1 of 4 stars; one submission).

Conditions:
KMT2D-related disorder. Also called: KMT2D-Related Disorders.

Submission:

PreventionGenetics, part of Exact Sciences
Classification: Uncertain significance for KMT2D-related condition. Last evaluated: 2026-06-10. Review status: criteria provided, single submitter. Criteria: ACMG Guidelines, 2015. Collection method: clinical testing. Allele origin: germline.
Comment: The KMT2D c.13816T>A variant is predicted to result in the amino acid substitution p.Tyr4606Asn. To our knowledge, this variant has not been reported in the literature or in a large population database (gnomAD), indicating this variant is rare. At this time, the clinical significance of this variant is uncertain due to the absence of conclusive functional and genetic evidence.

NM_003482.4(KMT2D):c.13816T>A (p.Tyr4606Asn)

Gene: KMT2D (lysine methyltransferase 2D; minus strand). Cytogenetic location: 12q13.12.
Variant type: single nucleotide variant.
Coding change: c.13816T>A on transcript NM_003482.4 (MANE Select); coding-DNA position 13816, T replaced by A.
Protein change: p.Tyr4606Asn; replaces tyrosine 4606 with asparagine.
Molecular consequence: missense variant.
Genome position (GRCh38, 1-based): chr12:49,030,624, A>T on the plus strand (T>A on the coding strand, the complement: KMT2D is on the minus strand). VCF-style: chr12-49030624-A-T. GRCh37 (hg19) VCF-style: chr12-49424407-A-T.
Other names: short protein forms Y4606N.
Identifiers: ClinVar variation 4995382 (VCV004995382.1).